The following is an entry in ClinVar:

ClinVar aggregate classification (germline): Uncertain significance (1 of 4 stars; one submission).

Submission:

Labcorp Genetics (formerly Invitae), Labcorp
Classification: Uncertain significance. Last evaluated: 2024-03-16. Review status: criteria provided, single submitter. Criteria: Invitae Variant Classification Sherloc (09022015). Collection method: clinical testing. Allele origin: germline.
Comment: This sequence change falls in intron 33 of the COL11A2 gene. It does not directly change the encoded amino acid sequence of the COL11A2 protein. It affects a nucleotide within the consensus splice site. This variant is not present in population databases (gnomAD no frequency). This variant has not been reported in the literature in individuals affected with COL11A2-related conditions. Variants that disrupt the consensus splice site are a relatively common cause of aberrant splicing (PMID: 17576681, 9536098). Algorithms developed to predict the effect of sequence changes on RNA splicing suggest that this variant may disrupt the consensus splice site. In summary, the available evidence is currently insufficient to determine the role of this variant in disease. Therefore, it has been classified as a Variant of Uncertain Significance.

Literature cited by the submitters: PubMed 17576681; PubMed 9536098.

NM_080680.3(COL11A2):c.2529+6T>G

Gene: COL11A2 (collagen type XI alpha 2 chain; minus strand). Cytogenetic location: 6p21.32.
Variant type: single nucleotide variant.
Coding change: c.2529+6T>G on transcript NM_080680.3 (MANE Select); 6 bases into the intron after coding-DNA position 2529, T replaced by G.
Molecular consequence: intron variant.
Genome position (GRCh38, 1-based): chr6:33,174,005, A>C on the plus strand (T>G on the coding strand, the complement: COL11A2 is on the minus strand). VCF-style: chr6-33174005-A-C. GRCh37 (hg19) VCF-style: chr6-33141782-A-C.
Other names: c.1503+6T>G (NM_001424111.1, NM_001424110.1); c.2208+6T>G (NM_080679.3); c.2271+6T>G (NM_080681.3); c.2349+6T>G (NM_001424108.1); c.1683+6T>G (NM_001424109.1); c.483+6T>G (NM_001424112.1).
Identifiers: ClinVar variation 3646373 (VCV003646373.2).
Genomic context (GRCh38, chr6:33,174,005, plus strand): 5'-TTGTCAGAGAAACCCAAATGCCCCCCTCTGGACCTTGAGCCACCTGTTTCTCTCCCCTGC[A>C]CTCACCGTGGGGCCCCGTTCTCCCCGAGGCCCTGACTTCCCCGACAGGCCCTGGTGGGAA-3'